The following is an entry in ClinVar:

ClinVar aggregate classification (germline): Likely benign (0 of 4 stars; one submission).

Conditions:
VPS53-related disorder. Also called: VPS53-related condition.

Allele frequency attached by ClinVar (database versions not stated): gnomAD exomes below 0.00001; gnomAD 0.00001; TOPMed 0.00002.
gnomAD v4.1: 4 of 1,612,608 alleles (0.00025%); highest among the groups gnomAD compares: African/African-American, 0.004%; no homozygotes.

Submission:

PreventionGenetics, part of Exact Sciences
Classification: Likely benign for VPS53-related condition. Last evaluated: 2020-04-29. Review status: no assertion criteria provided. Collection method: clinical testing. Allele origin: germline.
Comment: This variant is classified as likely benign based on ACMG/AMP sequence variant interpretation guidelines (Richards et al. 2015 PMID: 25741868, with internal and published modifications).

NM_001128159.3(VPS53):c.1344G>A (p.Val448=)

Gene: VPS53 (VPS53 subunit of GARP complex; minus strand). Cytogenetic location: 17p13.3.
Variant type: single nucleotide variant.
Coding change: c.1344G>A on transcript NM_001128159.3 (MANE Select); coding-DNA position 1344, G replaced by A.
Protein change: p.Val448=; no amino-acid change (valine 448 retained).
Molecular consequence: synonymous variant.
Genome position (GRCh38, 1-based): chr17:562,715, C>T on the plus strand (G>A on the coding strand, the complement: VPS53 is on the minus strand). VCF-style: chr17-562715-C-T. GRCh37 (hg19) VCF-style: chr17-465955-C-T.
Other names: c.1344G>A, p.Val448= (NM_001366253.2); c.750G>A, p.Val250= (NM_001366254.2); c.1257G>A, p.Val419= (NM_018289.4).
Identifiers: ClinVar variation 3054678 (VCV003054678.2), dbSNP rs1337769894, ClinGen allele CA497383128.